The following is an entry in ClinVar:

NM_020822.3(KCNT1):c.2527G>C (p.Asp843His)

Gene: KCNT1 (potassium sodium-activated channel subfamily T member 1; plus strand). Cytogenetic location: 9q34.3.
Variant type: single nucleotide variant.
Coding change: c.2527G>C on transcript NM_020822.3 (MANE Select); coding-DNA position 2527, G replaced by C.
Protein change: p.Asp843His; replaces aspartic acid 843 with histidine.
Molecular consequence: missense variant.
Genome position (GRCh38, 1-based): chr9:135,778,428, G>C. VCF-style: chr9-135778428-G-C. GRCh37 (hg19) VCF-style: chr9-138670274-G-C.
Other names: c.2392G>C, p.Asp798His (NM_001272003.2); short protein forms D843H, D798H.
Identifiers: ClinVar variation 412311 (VCV000412311.9), dbSNP rs376758763, ClinGen allele CA16612549.

ClinVar aggregate classification (germline): Uncertain significance (1 of 4 stars; one submission).

Conditions:
Developmental and epileptic encephalopathy, 14 (DEE14). Also called: Early infantile epileptic encephalopathy 14. Identifiers: Orphanet 293181, MedGen C3554195, MONDO:0013989, OMIM 614959.
Autosomal dominant nocturnal frontal lobe epilepsy 5. Also called: CILIARY DYSKINESIA, PRIMARY, 28, WITH SITUS INVERSUS; Epilepsy, nocturnal frontal lobe, 5; CILIARY DYSKINESIA, PRIMARY, 28, WITHOUT SITUS INVERSUS; KCNT1-Related Epilepsy. Identifiers: Orphanet 98784, MedGen C3554306, MONDO:0014002, OMIM 615005.

Allele frequency attached by ClinVar (database versions not stated): TOPMed 0.00001.
gnomAD v4.1: 4 of 1,550,890 alleles (0.00026%); highest among the groups gnomAD compares: Admixed American, 0.002%; no homozygotes.

Submission:

Labcorp Genetics (formerly Invitae), Labcorp
Classification: Uncertain significance for Autosomal dominant nocturnal frontal lobe epilepsy 5; Developmental and epileptic encephalopathy, 14. Last evaluated: 2022-08-10. Review status: criteria provided, single submitter. Criteria: Invitae Variant Classification Sherloc (09022015). Collection method: clinical testing. Allele origin: germline.
Comment: In summary, the available evidence is currently insufficient to determine the role of this variant in disease. Therefore, it has been classified as a Variant of Uncertain Significance. Advanced modeling of protein sequence and biophysical properties (such as structural, functional, and spatial information, amino acid conservation, physicochemical variation, residue mobility, and thermodynamic stability) performed at Invitae indicates that this missense variant is expected to disrupt KCNT1 protein function. ClinVar contains an entry for this variant (Variation ID: 412311). This variant has not been reported in the literature in individuals affected with KCNT1-related conditions. This variant is not present in population databases (gnomAD no frequency). This sequence change replaces aspartic acid, which is acidic and polar, with histidine, which is basic and polar, at codon 843 of the KCNT1 protein (p.Asp843His).